The following is an entry in ClinVar:

NM_001130987.2(DYSF):c.5420G>A (p.Arg1807Gln)

Gene: DYSF (dysferlin; plus strand). Cytogenetic location: 2p13.2.
Variant type: single nucleotide variant.
Coding change: c.5420G>A on transcript NM_001130987.2 (MANE Select); coding-DNA position 5420, G replaced by A.
Protein change: p.Arg1807Gln; replaces arginine 1807 with glutamine.
Molecular consequence: missense variant.
Genome position (GRCh38, 1-based): chr2:71,667,478, G>A. VCF-style: chr2-71667478-G-A. GRCh37 (hg19) VCF-style: chr2-71894608-G-A.
Other names: NM_001130987.2(DYSF):c.5420G>A; p.Arg1807Gln; c.5306G>A, p.Arg1769Gln (NM_001130455.2); c.5261G>A, p.Arg1754Gln (NM_001130976.2); c.5324G>A, p.Arg1775Gln (NM_001130977.2); c.5366G>A, p.Arg1789Gln (NM_001130978.2); c.5396G>A, p.Arg1799Gln (NM_001130979.2); c.5354G>A, p.Arg1785Gln (NM_001130980.2); and 7 more; short protein forms R1768Q, R1807Q, R1754Q, R1755Q, R1789Q, R1799Q, R1806Q, R1775Q.
Identifiers: ClinVar variation 282624 (VCV000282624.28), dbSNP rs148860301, ClinGen allele CA1707357.

ClinVar aggregate classification (germline): Pathogenic. Review status: reviewed by expert panel (3 of 4 stars). 13 submissions from 13 submitters: Pathogenic (1). 12 of the submissions do not count toward it. Last evaluated 2026-04-30.

Conditions:
Autosomal recessive limb-girdle muscular dystrophy. Identifiers: Orphanet 102015, MedGen C2931907, MONDO:0015152.
Other rare neuromuscular disorders.
Neuromuscular disease caused by qualitative or quantitative defects of dysferlin. Also called: Qualitative or quantitative defects of dysferlin; Dysferlinopathy. Identifiers: Orphanet 207073, MedGen C2931687, MONDO:0016145.
Autosomal recessive limb-girdle muscular dystrophy type 2B (LGMDR2). Also called: MUSCULAR DYSTROPHY, LIMB-GIRDLE, TYPE 3; Limb-Girdle Muscular Dystrophy Type 2B (LGMD2B); MUSCULAR DYSTROPHY, LIMB-GIRDLE, AUTOSOMAL RECESSIVE 2; Limb-girdle muscular dystrophy, type 2B. Identifiers: Orphanet 268, MedGen C1850889, MONDO:0009676, OMIM 253601.
Miyoshi muscular dystrophy 1 (MMD1). Identifiers: Orphanet 45448, MedGen C4551973, MONDO:0024545, OMIM 254130.
Distal myopathy with anterior tibial onset. Identifiers: Orphanet 178400, MedGen C1847532, MONDO:0011721, OMIM 606768.

Allele frequency attached by ClinVar (database versions not stated): ESP Exome Variant Server 0.00008; gnomAD 0.00003; TOPMed 0.00005; ExAC 0.00005.
gnomAD v4.1: 81 of 1,613,986 alleles (0.005%); highest among the groups gnomAD compares: Admixed American, 0.0067%; no homozygotes.

Submissions (13):

ClinGen Limb Girdle Muscular Dystrophy Variant Curation Expert Panel, ClinGen
Classification: Pathogenic for Autosomal recessive limb-girdle muscular dystrophy. Last evaluated: 2026-04-30. Review status: reviewed by expert panel. Criteria: ClinGen LGMD VCEP ACMG Specifications DYSF V2.0.0. Collection method: curation. Allele origin: germline. Inheritance: Autosomal recessive inheritance.
Comment: The NM_003494.4: c.5303G>A variant in DYSF, which is also known as NM_001130987.2(DYSF):c.5420G>A p.(Arg1807Gln), is a missense variant predicted to cause the substitution of arginine for glutamine at amino acid position 1768, p.(Arg1768Gln). This variant has been identified in at least three individuals with features consistent with LGMD, including in a homozygous state without reported consanguinity in one patient (0.5 pts, PMID: 33927379, LOVD Individual #00327538) and confirmed in trans with a pathogenic variant in one patient (NM_003494.4: c.1284+2T>C, 1.0 pt, PMID: 32751317) (PM3). In the third patient, it was reported in unknown phase with two other DYSF missense variants (Jain Foundation Dysferlin Registry internal data communication). The homozygous patient was referred for diagnostic sequencing of DYSF by a neurologist due to a clinical suspicion of dysferlinopathy. Absent dysferlin expression in skeletal muscle was also confirmed in this individual (PMID: 33927379, LOVD Individual #00327538; PP4_Strong). The upper bound of the 95% confidence interval of the Grpmax variant allele frequency in gnomAD v4.1.0 is 0.000074234 (72/1180030 European (non-Finnish chromosomes), which is lower than the LGMD VCEP threshold (<0.0001) (PM2_Supporting). The REVEL score of this variant is 0.843, which is above the threshold (≥0.7), evidence that correlates with impact on DYSF function (PP3). In addition, another missense change at the same position, NM_003494.4: c.5302C>T p.(Arg1768Trp), is classified as pathogenic for limb girdle muscular dystrophy by the LGMD VCEP (PM5). In summary, this variant meets the criteria to be classified as Pathogenic for autosomal recessive limb girdle muscular dystrophy based on the ACMG/AMP criteria applied, as specified by the ClinGen LGMD VCEP (LGMD VCEP specifications version 2.0.0; 04/30/2026): PM3, PP4_Strong, PM2_Supporting, PP3, PM5.

NHS Central & South Genomic Laboratory Hub
Classification: Likely pathogenic for Other rare neuromuscular disorders. Last evaluated: 2026-04-22. Review status: criteria provided, single submitter. Criteria: ACMG Guidelines, 2015. Collection method: clinical testing. Allele origin: germline. Affected: yes. Not counted in ClinVar's aggregate classification.

Myriad Genetics, Inc.
Classification: Uncertain significance for Autosomal recessive limb-girdle muscular dystrophy. Last evaluated: 2025-08-25. Review status: criteria provided, single submitter. Criteria: Myriad Autosomal Dominant, Autosomal Recessive and X-Linked Classification Criteria (2023). Collection method: clinical testing. Allele origin: unknown. Not counted in ClinVar's aggregate classification.
Comment: NM_003494.3(DYSF):c.5303G>A(R1768Q) is a missense variant classified as a variant of uncertain significance in the context of dysferlinopathy. R1768Q has been observed in cases with relevant disease (PMID: 31475473, 33927379, 30564623, 37688281). Relevant functional assessments of this variant are not available in the literature. R1768Q has been observed in referenced population frequency databases. In summary, there is insufficient evidence to classify NM_003494.3(DYSF):c.5303G>A(R1768Q) as pathogenic or benign. Please note: this variant was assessed in the context of healthy population screening.

Natera, Inc.
Classification: Likely pathogenic for Limb-girdle muscular dystrophy type 2B. Last evaluated: 2025-02-03. Review status: criteria provided, single submitter. Criteria: Natera Variant Classification Schema (03/2026). Collection method: clinical testing. Allele origin: germline. Not counted in ClinVar's aggregate classification.
Comment: The c.5303G>A variant in DYSF is a missense variant predicted to cause substitution of arginine to glutamine at amino acid 1768. This variant is rare in the general population with a frequency below the threshold expected for the associated phenotype(s). This variant has been observed in one or more individuals affected with the associated recessive disease, as either homozygous or compound heterozygous with a second variant (PMID: 33927379, 32751317). A different variant at the same position has been determined to be Pathogenic or Likely Pathogenic. Computational prediction algorithms indicate this variant is likely to affect gene or protein function. Given the available evidence, this variant is classified as Likely Pathogenic.

GeneDx
Classification: Likely pathogenic. Last evaluated: 2025-01-29. Review status: criteria provided, single submitter. Criteria: GeneDx Variant Classification Process June 2021. Collection method: clinical testing. Allele origin: germline. Affected: yes. Not counted in ClinVar's aggregate classification.
Comment: Not observed at significant frequency in large population cohorts (gnomAD); In silico analysis supports that this missense variant has a deleterious effect on protein structure/function; This variant is associated with the following publications: (PMID: 27647186, 17070050, 31475473, 32751317, 25783436, 25591676, 17698709, 18853459, 24438169, 33927379)

Labcorp Genetics (formerly Invitae), Labcorp
Classification: Pathogenic for Neuromuscular disease caused by qualitative or quantitative defects of dysferlin. Last evaluated: 2024-09-27. Review status: criteria provided, single submitter. Criteria: Invitae Variant Classification Sherloc (09022015). Collection method: clinical testing. Allele origin: germline. Not counted in ClinVar's aggregate classification.
Comment: This sequence change replaces arginine, which is basic and polar, with glutamine, which is neutral and polar, at codon 1768 of the DYSF protein (p.Arg1768Gln). This variant is present in population databases (rs148860301, gnomAD 0.01%). This missense change has been observed in individual(s) with clinical features of DYSF-related conditions (PMID: 31475473, 32751317; internal data). In at least one individual the data is consistent with being in trans (on the opposite chromosome) from a pathogenic variant. ClinVar contains an entry for this variant (Variation ID: 282624). Invitae Evidence Modeling of protein sequence and biophysical properties (such as structural, functional, and spatial information, amino acid conservation, physicochemical variation, residue mobility, and thermodynamic stability) indicates that this missense variant is expected to disrupt DYSF protein function with a positive predictive value of 95%. This variant disrupts the p.Arg1768 amino acid residue in DYSF. Other variant(s) that disrupt this residue have been determined to be pathogenic (PMID: 17070050, 17698709, 18853459, 25591676, 25783436, 27647186). This suggests that this residue is clinically significant, and that variants that disrupt this residue are likely to be disease-causing. For these reasons, this variant has been classified as Pathogenic.

Fulgent Genetics
Classification: Likely pathogenic for Autosomal recessive limb-girdle muscular dystrophy type 2B; Miyoshi muscular dystrophy 1; Distal myopathy with anterior tibial onset. Last evaluated: 2024-02-13. Review status: criteria provided, single submitter. Criteria: ACMG Guidelines, 2015. Collection method: clinical testing. Allele origin: germline. Not counted in ClinVar's aggregate classification.

Baylor Genetics
Classification: Likely pathogenic for Miyoshi muscular dystrophy 1. Last evaluated: 2024-01-18. Review status: criteria provided, single submitter. Criteria: ACMG Guidelines, 2015. Collection method: clinical testing. Allele origin: unknown. Not counted in ClinVar's aggregate classification.

Revvity Omics, Revvity
Classification: Uncertain significance. Last evaluated: 2019-04-12. Review status: criteria provided, single submitter. Criteria: ACMG Guidelines, 2015. Collection method: clinical testing. Allele origin: germline. Not counted in ClinVar's aggregate classification.

Illumina Laboratory Services, Illumina
Classification: Uncertain significance for Qualitative or quantitative defects of dysferlin. Last evaluated: 2018-01-13. Review status: criteria provided, single submitter. Criteria: ICSL Variant Classification Criteria 13 December 2019. Collection method: clinical testing. Allele origin: germline. Not counted in ClinVar's aggregate classification.

Athena Diagnostics
Classification: Uncertain significance. Last evaluated: 2017-02-16. Review status: criteria provided, single submitter. Criteria: Athena Diagnostics Criteria. Collection method: clinical testing. Allele origin: germline. Not counted in ClinVar's aggregate classification.

Eurofins Ntd Llc (ga)
Classification: Uncertain significance. Last evaluated: 2015-08-20. Review status: criteria provided, single submitter. Criteria: EGL Classification Definitions 2015. Collection method: clinical testing. Allele origin: germline. Observed: 1 variant allele, 1 heterozygote. Not counted in ClinVar's aggregate classification.

Department of Rehabilitation Medicine, Incheon St. Mary’s Hospital, College of Medicine, The Catholic University of Korea
Classification: Likely pathogenic for Autosomal recessive limb-girdle muscular dystrophy type 2B. Last evaluated: 2019-02-11. Review status: no assertion criteria provided. Collection method: research. Allele origin: paternal. Inheritance: Autosomal recessive inheritance. Affected: yes. Observed: 1 compound heterozygote. Not counted in ClinVar's aggregate classification.

Literature cited by the submitters: PubMed 30564623 (cited by Myriad Genetics, Inc.); PubMed 31475473 (cited by Myriad Genetics, Inc. and Labcorp Genetics (formerly Invitae), Labcorp); PubMed 33927379 (cited by Myriad Genetics, Inc. and Natera, Inc.); PubMed 37688281 (cited by Myriad Genetics, Inc.); PubMed 32751317 (cited by Natera, Inc. and Labcorp Genetics (formerly Invitae), Labcorp); PubMed 17070050 (cited by Labcorp Genetics (formerly Invitae), Labcorp); PubMed 17698709 (cited by Labcorp Genetics (formerly Invitae), Labcorp); PubMed 18853459 (cited by Labcorp Genetics (formerly Invitae), Labcorp); PubMed 25591676 (cited by Labcorp Genetics (formerly Invitae), Labcorp); PubMed 25783436 (cited by Labcorp Genetics (formerly Invitae), Labcorp); PubMed 27647186 (cited by Labcorp Genetics (formerly Invitae), Labcorp).